The following is an entry in ClinVar:

NM_001615.4(ACTG2):c.27C>T (p.Leu9=)

Gene: ACTG2 (actin gamma 2, smooth muscle; plus strand). Cytogenetic location: 2p13.1.
Variant type: single nucleotide variant.
Coding change: c.27C>T on transcript NM_001615.4 (MANE Select); coding-DNA position 27, C replaced by T.
Protein change: p.Leu9=; no amino-acid change (leucine 9 retained).
Molecular consequence: synonymous variant.
Genome position (GRCh38, 1-based): chr2:73,901,338, C>T. VCF-style: chr2-73901338-C-T. GRCh37 (hg19) VCF-style: chr2-74128465-C-T.
Other names: c.27C>T, p.Leu9= (NM_001199893.2).
Identifiers: ClinVar variation 4821024 (VCV004821024.4).
Genomic context (GRCh38, chr2:73,901,338, plus strand): 5'-GCTCCAGTCCCCAGCTCACTCAGCCACACACACCATGTGTGAAGAGGAGACCACCGCGCT[C>T]GTGTGTGACAATGGCTCTGGCCTGTGCAAGGCAGGCTTCGCAGGAGATGATGCCCCCCGG-3'
Protein context (NP_001606.1, residues 1-19): MCEEETTA[Leu9=]VCDNGSGLCK

ClinVar aggregate classification (germline): Likely benign (1 of 4 stars; one submission).

gnomAD v4.1: 70 of 1,612,184 alleles (0.0043%); highest among the groups gnomAD compares: African/African-American, 0.016%; no homozygotes.

Submission:

CeGaT Center for Human Genetics Tuebingen
Classification: Likely benign. Last evaluated: 2026-01-01. Review status: criteria provided, single submitter. Criteria: CeGaT Center For Human Genetics Tuebingen Variant Classification Criteria Version 2. Collection method: clinical testing. Allele origin: germline. Affected: yes. Observed: 1 variant allele.
Comment: ACTG2: BP4, BP7